The following is an entry in ClinVar:

NM_054027.6(ANKH):c.164C>T (p.Ala55Val)

Gene: ANKH (ANKH inorganic pyrophosphate transport regulator; minus strand). Cytogenetic location: 5p15.2.
Variant type: single nucleotide variant.
Coding change: c.164C>T on transcript NM_054027.6 (MANE Select); coding-DNA position 164, C replaced by T.
Protein change: p.Ala55Val; replaces alanine 55 with valine.
Molecular consequence: missense variant.
Genome position (GRCh38, 1-based): chr5:14,769,124, G>A on the plus strand (C>T on the coding strand, the complement: ANKH is on the minus strand). VCF-style: chr5-14769124-G-A. GRCh37 (hg19) VCF-style: chr5-14769233-G-A.
Other names: short protein forms A55V.
Identifiers: ClinVar variation 3706379 (VCV003706379.2).

ClinVar aggregate classification (germline): Uncertain significance (1 of 4 stars; one submission).

gnomAD v4.1: 4 of 1,613,918 alleles (0.00025%); highest among the groups gnomAD compares: South Asian, 0.0011%; no homozygotes.

Submission:

Labcorp Genetics (formerly Invitae), Labcorp
Classification: Uncertain significance. Last evaluated: 2024-11-19. Review status: criteria provided, single submitter. Criteria: Invitae Variant Classification Sherloc (09022015). Collection method: clinical testing. Allele origin: germline.
Comment: This sequence change replaces alanine, which is neutral and non-polar, with valine, which is neutral and non-polar, at codon 55 of the ANKH protein (p.Ala55Val). This variant is not present in population databases (gnomAD no frequency). This variant has not been reported in the literature in individuals affected with ANKH-related conditions. Invitae Evidence Modeling of protein sequence and biophysical properties (such as structural, functional, and spatial information, amino acid conservation, physicochemical variation, residue mobility, and thermodynamic stability) indicates that this missense variant is not expected to disrupt ANKH protein function with a negative predictive value of 80%. In summary, the available evidence is currently insufficient to determine the role of this variant in disease. Therefore, it has been classified as a Variant of Uncertain Significance.